The following is an entry in ClinVar:

ClinVar aggregate classification (germline): Conflicting classifications of pathogenicity. Review status: criteria provided, conflicting classifications (1 of 4 stars). 4 submissions from 4 submitters: Uncertain significance (3); Benign (1). Last evaluated 2025-10-14.

Conditions:
Hereditary cancer-predisposing syndrome. Also called: Neoplastic Syndromes, Hereditary; Tumor predisposition; Hereditary Cancer Syndrome; Hereditary neoplastic syndrome. Identifiers: Orphanet 140162, MedGen C0027672, MeSH D009386, MONDO:0015356.
Classic or attenuated familial adenomatous polyposis. Identifiers: MedGen CN372698, MONDO:0021057.
Familial adenomatous polyposis 1 (FAP1). Also called: FAMILIAL ADENOMATOUS POLYPOSIS 1, ATTENUATED; POLYPOSIS, ADENOMATOUS INTESTINAL. Identifiers: MedGen C2713442, MONDO:0021056, OMIM 175100. Disease mechanism: loss of function.

Allele frequency attached by ClinVar (database versions not stated): TOPMed 0.00003.

Submissions (4):

Labcorp Genetics (formerly Invitae), Labcorp
Classification: Benign for Familial adenomatous polyposis 1. Last evaluated: 2025-10-14. Review status: criteria provided, single submitter. Criteria: Invitae Variant Classification Sherloc (09022015). Collection method: clinical testing. Allele origin: germline.

Ambry Genetics
Classification: Uncertain significance for Hereditary cancer-predisposing syndrome. Last evaluated: 2024-10-10. Review status: criteria provided, single submitter. Criteria: Ambry Variant Classification Scheme 2023. Collection method: clinical testing. Allele origin: germline.
Comment: The p.D1016V variant (also known as c.3047A>T), located in coding exon 15 of the APC gene, results from an A to T substitution at nucleotide position 3047. The aspartic acid at codon 1016 is replaced by valine, an amino acid with highly dissimilar properties. This amino acid position is highly conserved in available vertebrate species. In addition, in silico predictors for this gene do not accurately predict pathogenicity. Missense alterations in APC are not a common cause of disease (Spier I et al. Genet Med. 2024 Feb;26(2):100992). Based on the available evidence, the clinical significance of this variant remains unclear.

All of Us Research Program, National Institutes of Health
Classification: Uncertain significance for Classic or attenuated familial adenomatous polyposis. Last evaluated: 2024-05-13. Review status: criteria provided, single submitter. Criteria: ACMG Guidelines, 2015. Collection method: clinical testing. Allele origin: germline. Inheritance: Autosomal dominant inheritance. Observed: 1 variant allele, 1 heterozygote.
Comment: This study involves interpretation of variants in research participants for the purpose of population health screening. Participant phenotype was not available at the time of variant classification. Additional details can be found in publication PMID: 35346344, PMCID: PMC8962531

Color Diagnostics, LLC DBA Color Health
Classification: Uncertain significance for Hereditary cancer-predisposing syndrome. Last evaluated: 2023-12-05. Review status: criteria provided, single submitter. Criteria: ACMG Guidelines, 2015. Collection method: clinical testing. Allele origin: germline.
Comment: This missense variant replaces aspartic acid with valine at codon 1016 of the APC protein. Computational prediction is inconclusive regarding the impact of this variant on protein structure and function (internally defined REVEL score threshold 0.5 < inconclusive < 0.7, PMID: 27666373). To our knowledge, functional studies have not been reported for this variant. This variant has not been reported in individuals affected with APC-related disorders in the literature. This variant has not been identified in the general population by the Genome Aggregation Database (gnomAD). The available evidence is insufficient to determine the role of this variant in disease conclusively. Therefore, this variant is classified as a Variant of Uncertain Significance.

NM_000038.6(APC):c.3047A>T (p.Asp1016Val)

Gene: APC (APC regulator of Wnt signaling pathway; plus strand). Cytogenetic location: 5q22.2.
Variant type: single nucleotide variant.
Coding change: c.3047A>T on transcript NM_000038.6 (MANE Select); coding-DNA position 3047, A replaced by T.
Protein change: p.Asp1016Val; replaces aspartic acid 1016 with valine.
Molecular consequence: missense variant.
Genome position (GRCh38, 1-based): chr5:112,838,641, A>T. VCF-style: chr5-112838641-A-T. GRCh37 (hg19) VCF-style: chr5-112174338-A-T.
Other names: c.3047A>T, p.Asp1016Val (NM_001127510.3, NM_001354895.2); c.2993A>T, p.Asp998Val (NM_001127511.3); c.3101A>T, p.Asp1034Val (NM_001354896.2); c.3077A>T, p.Asp1026Val (NM_001354897.2); c.2972A>T, p.Asp991Val (NM_001354898.2); c.2963A>T, p.Asp988Val (NM_001354899.2); c.2924A>T, p.Asp975Val (NM_001354900.2); c.2870A>T, p.Asp957Val (NM_001354901.2); and 5 more; short protein forms D1016V, D998V, D988V, D1034V, D733V, D915V, D925V, D991V.
Identifiers: ClinVar variation 482459 (VCV000482459.23), dbSNP rs1554084658, ClinGen allele CA16028005.
Genomic context (GRCh38, chr5:112,838,641, plus strand): 5'-GTTATGGTCAATACCCAGCCGACCTAGCCCATAAAATACATAGTGCAAATCATATGGATG[A>T]TAATGATGGAGAACTAGATACACCAATAAATTATAGTCTTAAATATTCAGATGAGCAGTT-3'
Protein context (NP_000029.2, residues 1006-1026): HKIHSANHMD[Asp1016Val]NDGELDTPIN